The following is an entry in ClinVar:

NM_016239.4(MYO15A):c.9407G>A (p.Trp3136Ter)

Genes: MYO15A (myosin XVA; plus strand), LOC130060418 (ATAC-STARR-seq lymphoblastoid active region 11828; plus strand). Cytogenetic location: 17p11.2.
Variant type: single nucleotide variant.
Coding change: c.9407G>A on transcript NM_016239.4 (MANE Select); coding-DNA position 9407, G replaced by A.
Protein change: p.Trp3136Ter; replaces tryptophan 3136 with a stop codon.
Molecular consequence: nonsense.
Genome position (GRCh38, 1-based): chr17:18,161,337, G>A. VCF-style: chr17-18161337-G-A. GRCh37 (hg19) VCF-style: chr17-18064651-G-A.
Other names: short protein forms W3136*.
Identifiers: ClinVar variation 3601423 (VCV003601423.2).

ClinVar aggregate classification (germline): Pathogenic. Review status: criteria provided, multiple submitters, no conflicts (2 of 4 stars). 2 submissions from 2 submitters: Pathogenic (2). Last evaluated 2025-08-18.

Conditions:
Autosomal recessive nonsyndromic hearing loss 3. Also called: NEUROSENSORY NONSYNDROMIC RECESSIVE DEAFNESS 3. Identifiers: Orphanet 90636, MedGen C1838263, MONDO:0010860, OMIM 600316.

Submissions (2):

Labcorp Genetics (formerly Invitae), Labcorp
Classification: Pathogenic. Last evaluated: 2025-08-18. Review status: criteria provided, single submitter. Criteria: Invitae Variant Classification Sherloc (09022015). Collection method: clinical testing. Allele origin: germline.
Comment: This sequence change creates a premature translational stop signal (p.Trp3136*) in the MYO15A gene. It is expected to result in an absent or disrupted protein product. Loss-of-function variants in MYO15A are known to be pathogenic (PMID: 17546645). This variant is not present in population databases (gnomAD no frequency). This variant has not been reported in the literature in individuals affected with MYO15A-related conditions. ClinVar contains an entry for this variant (Variation ID: 3601423). For these reasons, this variant has been classified as Pathogenic.

Institute of Rare Diseases, West China Hospital, Sichuan University
Classification: Pathogenic for Autosomal recessive nonsyndromic hearing loss 3. Last evaluated: 2025-01-09. Review status: criteria provided, single submitter. Criteria: ClinGen HL ACMG Specifications v1. Collection method: research. Allele origin: germline. Affected: yes.
Comment: PVS1;PM3;PP1;PM2_Supporting

Literature cited by the submitters: PubMed 17546645 (cited by Labcorp Genetics (formerly Invitae), Labcorp).